The following is an entry in ClinVar:

ClinVar aggregate classification (germline): Conflicting classifications of pathogenicity. Review status: criteria provided, conflicting classifications (1 of 4 stars). 3 submissions from 3 submitters: Uncertain significance (2); Likely benign (1). Last evaluated 2023-11-28.

Conditions:
Cardiovascular phenotype. Identifiers: MedGen CN230736.
Alstrom syndrome (ALMS). Identifiers: Orphanet 64, MedGen C0268425, MONDO:0008763, OMIM 203800.

Allele frequency attached by ClinVar (database versions not stated): gnomAD 0.00001; gnomAD exomes 0.00001; ExAC 0.00002; TOPMed 0.00002.
gnomAD v4.1: 12 of 1,613,978 alleles (0.00074%); highest among the groups gnomAD compares: South Asian, 0.0044%; no homozygotes.

Submissions (3):

Ambry Genetics
Classification: Likely benign for Cardiovascular phenotype. Last evaluated: 2023-11-28. Review status: criteria provided, single submitter. Criteria: Ambry Variant Classification Scheme 2023. Collection method: clinical testing. Allele origin: germline.

Labcorp Genetics (formerly Invitae), Labcorp
Classification: Uncertain significance for Alstrom syndrome. Last evaluated: 2022-04-18. Review status: criteria provided, single submitter. Criteria: Invitae Variant Classification Sherloc (09022015). Collection method: clinical testing. Allele origin: germline.
Comment: This sequence change replaces glycine, which is neutral and non-polar, with aspartic acid, which is acidic and polar, at codon 3619 of the ALMS1 protein (p.Gly3619Asp). This variant is present in population databases (rs755071263, gnomAD 0.003%). This variant has not been reported in the literature in individuals affected with ALMS1-related conditions. Experimental studies and prediction algorithms are not available or were not evaluated, and the functional significance of this variant is currently unknown. In summary, the available evidence is currently insufficient to determine the role of this variant in disease. Therefore, it has been classified as a Variant of Uncertain Significance.

Victorian Clinical Genetics Services, Murdoch Childrens Research Institute
Classification: Uncertain significance for Alstrom syndrome. Last evaluated: 2021-05-06. Review status: criteria provided, single submitter. Criteria: ACMG Guidelines, 2015. Collection method: clinical testing. Allele origin: germline. Inheritance: Autosomal recessive inheritance.
Comment: Based on the classification scheme VCGS_Germline_v1.3.4, this variant is classified as VUS-3C. Following criteria are met: 0102 - Loss of function is a known mechanism of disease in this gene and is associated with Alstrom syndrome (MIM#203800). (I) 0106 - This gene is associated with autosomal recessive disease. (I) 0200 - Variant is predicted to result in a missense amino acid change from glycine to aspartic acid. (I) 0251 - This variant is heterozygous. (I) 0304 - Variant is present in gnomAD (v3) <0.01 for a recessive condition (2 heterozygotes, 0 homozygotes), but has been misannotated as p.(Gly3618Asp). (SP) 0309 - An alternative amino acid change at the same position has been observed in gnomAD (v2) (1 heterozygote, 0 homozygotes). (I) 0504 - Same amino acid change has been observed in placental mammals. (SB) 0604 - Variant is not located in an established domain, motif, hotspot or informative constraint region. (I) 0705 - No comparable missense variants have previous evidence for pathogenicity. (I) 0807 - This variant has no previous evidence of pathogenicity. (I) 0905 - No published segregation evidence has been identified for this variant. (I) 1007 - No published functional evidence has been identified for this variant. (I) 1208 - Inheritance information for this variant is not currently available in this individual. (I) Legend: (SP) - Supporting pathogenic, (I) - Information, (SB) - Supporting benign

NM_001378454.1(ALMS1):c.10853G>A (p.Gly3618Asp)

Gene: ALMS1 (ALMS1 centrosome and basal body associated protein; plus strand). Cytogenetic location: 2p13.1.
Variant type: single nucleotide variant.
Coding change: c.10853G>A on transcript NM_001378454.1 (MANE Select); coding-DNA position 10853, G replaced by A.
Protein change: p.Gly3618Asp; replaces glycine 3618 with aspartic acid.
Molecular consequence: missense variant.
Genome position (GRCh38, 1-based): chr2:73,572,730, G>A. VCF-style: chr2-73572730-G-A. GRCh37 (hg19) VCF-style: chr2-73799857-G-A.
Other names: c.10856G>A, p.Gly3619Asp (NM_015120.4); short protein forms G3618D, G3619D.
Identifiers: ClinVar variation 1806338 (VCV001806338.4), dbSNP rs755071263, ClinGen allele CA1715073.